The following is an entry in ClinVar:

ClinVar aggregate classification (germline): Uncertain significance. Review status: criteria provided, multiple submitters, no conflicts (2 of 4 stars). 2 submissions from 2 submitters: Uncertain significance (2). Last evaluated 2025-07-06.

Conditions:
Primary failure of tooth eruption. Also called: DENTAL NONERUPTION; PRIMARY RETENTION OF TEETH; UNERUPTED SECOND PRIMARY MOLAR; POSTERIOR OPENBITE MALOCCLUSION, FAMILIAL. Identifiers: Orphanet 412206, MedGen C1852222, MONDO:0007434, OMIM 125350.
Chondrodysplasia Blomstrand type (BOCD). Identifiers: Orphanet 50945, MedGen C1859148, MONDO:0008970, OMIM 215045.
Eiken syndrome (EKNS). Also called: BONE MODELING DEFECT OF HANDS AND FEET. Identifiers: Orphanet 79106, MedGen C1838779, MONDO:0010803, OMIM 600002.
Metaphyseal chondrodysplasia, Jansen type. Also called: PTH1R-Related Jansen Metaphyseal Chondrodysplasia; Metaphyseal chondrodysplasia Murk Jansen type. Identifiers: Orphanet 33067, MedGen C0265295, MONDO:0007982, OMIM 156400.

Allele frequency attached by ClinVar (database versions not stated): ExAC 0.00001; gnomAD exomes 0.00001; TOPMed 0.00002; gnomAD 0.00003.

Submissions (2):

Labcorp Genetics (formerly Invitae), Labcorp
Classification: Uncertain significance. Last evaluated: 2025-07-06. Review status: criteria provided, single submitter. Criteria: Invitae Variant Classification Sherloc (09022015). Collection method: clinical testing. Allele origin: germline.
Comment: This sequence change replaces arginine, which is basic and polar, with tryptophan, which is neutral and slightly polar, at codon 181 of the PTH1R protein (p.Arg181Trp). This variant is present in population databases (rs202145297, gnomAD 0.009%). This variant has not been reported in the literature in individuals affected with PTH1R-related conditions. ClinVar contains an entry for this variant (Variation ID: 1938124). An algorithm developed to predict the effect of missense changes on protein structure and function (PolyPhen-2) suggests that this variant is likely to be disruptive. In summary, the available evidence is currently insufficient to determine the role of this variant in disease. Therefore, it has been classified as a Variant of Uncertain Significance.

Fulgent Genetics
Classification: Uncertain significance for Primary failure of tooth eruption; Metaphyseal chondrodysplasia, Jansen type; Chondrodysplasia Blomstrand type; Eiken syndrome. Last evaluated: 2024-05-13. Review status: criteria provided, single submitter. Criteria: ACMG Guidelines, 2015. Collection method: clinical testing. Allele origin: germline.

NM_000316.3(PTH1R):c.541C>T (p.Arg181Trp)

Gene: PTH1R (parathyroid hormone 1 receptor; plus strand). Cytogenetic location: 3p21.31.
Variant type: single nucleotide variant.
Coding change: c.541C>T on transcript NM_000316.3 (MANE Select); coding-DNA position 541, C replaced by T.
Protein change: p.Arg181Trp; replaces arginine 181 with tryptophan.
Molecular consequence: missense variant.
Genome position (GRCh38, 1-based): chr3:46,898,190, C>T. VCF-style: chr3-46898190-C-T. GRCh37 (hg19) VCF-style: chr3-46939680-C-T.
Other names: c.541C>T, p.Arg181Trp (NM_001184744.1); short protein forms R181W.
Identifiers: ClinVar variation 1938124 (VCV001938124.6), dbSNP rs202145297, ClinGen allele CA2359208.